The following is an entry in ClinVar:

NM_001851.6(COL9A1):c.2623G>A (p.Gly875Ser)

Gene: COL9A1 (collagen type IX alpha 1 chain; minus strand). Cytogenetic location: 6q13.
Variant type: single nucleotide variant.
Coding change: c.2623G>A on transcript NM_001851.6 (MANE Select); coding-DNA position 2623, G replaced by A.
Protein change: p.Gly875Ser; replaces glycine 875 with serine.
Molecular consequence: missense variant. On other transcripts: non-coding transcript variant (1).
Genome position (GRCh38, 1-based): chr6:70,217,040, C>T on the plus strand (G>A on the coding strand, the complement: COL9A1 is on the minus strand). VCF-style: chr6-70217040-C-T. GRCh37 (hg19) VCF-style: chr6-70926743-C-T.
Other names: c.1924G>A, p.Gly642Ser (NM_001377289.1); c.1747G>A, p.Gly583Ser (NM_001377290.1); c.1894G>A, p.Gly632Ser (NM_078485.4); short protein forms G875S, G632S, G583S, G642S.
Identifiers: ClinVar variation 451031 (VCV000451031.14), dbSNP rs199581593, ClinGen allele CA3881705.
Genomic context (GRCh38, chr6:70,217,040, plus strand): 5'-GAGGTCCCGGGGGTCCAGGCACTCCAGGAATTCCTGCCACCCCTGGGGGGCCTCGCTCAC[C>T]GTCTCGGCCATTTCTGCCATAGCTGGCAGGGCCTGGGTCACCTGAAACACACAGAAGATT-3'
Protein context (NP_001842.3, residues 865-885): PASYGRNGRD[Gly875Ser]ERGPPGVAGI

ClinVar aggregate classification (germline): Conflicting classifications of pathogenicity. Review status: criteria provided, conflicting classifications (1 of 4 stars). 7 submissions from 7 submitters: Uncertain significance (6); Likely benign (1). Last evaluated 2026-07-01.

Conditions:
COL9A1-related disorder. Also called: COL9A1-related condition; COL9A1-related disorders.
Inborn genetic diseases. Identifiers: MedGen C0950123, MeSH D030342.
Stickler syndrome, type 4 (STL4). Identifiers: Orphanet 250984, Orphanet 828, MedGen C3279941, MONDO:0013590, OMIM 614134.
Epiphyseal dysplasia, multiple, 6. Also called: COL9A1-Related Multiple Epiphyseal Dysplasia. Identifiers: MedGen C2675767, MONDO:0013591, OMIM 614135.

Allele frequency attached by ClinVar (database versions not stated): gnomAD exomes 0.00003 and 0.00004; TOPMed 0.00004; ExAC 0.00005; gnomAD 0.00006.
gnomAD v4.1: 57 of 1,614,046 alleles (0.0035%); highest among the groups gnomAD compares: South Asian, 0.0044%; no homozygotes.

Submissions (7):

CeGaT Center for Human Genetics Tuebingen
Classification: Uncertain significance. Last evaluated: 2026-07-01. Review status: criteria provided, single submitter. Criteria: CeGaT Center For Human Genetics Tuebingen Variant Classification Criteria Version 2. Collection method: clinical testing. Allele origin: germline. Affected: yes. Observed: 1 variant allele.
Comment: COL9A1: PM2

Ambry Genetics
Classification: Uncertain significance for Inborn genetic diseases. Last evaluated: 2025-09-25. Review status: criteria provided, single submitter. Criteria: Ambry Variant Classification Scheme 2023. Collection method: clinical testing. Allele origin: germline.

PreventionGenetics, part of Exact Sciences
Classification: Uncertain significance for COL9A1-related condition. Last evaluated: 2025-08-12. Review status: criteria provided, single submitter. Criteria: ACMG Guidelines, 2015. Collection method: clinical testing. Allele origin: germline.
Comment: The COL9A1 c.2623G>A variant is predicted to result in the amino acid substitution p.Gly875Ser. To our knowledge, this variant has not been reported in the literature. This variant is reported in 0.0071% of alleles in individuals of European (Non-Finnish) descent in gnomAD. At this time, the clinical significance of this variant is uncertain due to the absence of conclusive functional and genetic evidence.

Blueprint Genetics
Classification: Likely benign. Last evaluated: 2024-10-09. Review status: criteria provided, single submitter. Criteria: ACMG Guidelines, 2015. Collection method: clinical testing. Allele origin: germline.

GeneDx
Classification: Uncertain significance. Last evaluated: 2023-11-10. Review status: criteria provided, single submitter. Criteria: GeneDx Variant Classification Process June 2021. Collection method: clinical testing. Allele origin: germline. Affected: yes.
Comment: Has not been previously published as pathogenic or benign to our knowledge; In silico analysis supports that this missense variant has a deleterious effect on protein structure/function

Labcorp Genetics (formerly Invitae), Labcorp
Classification: Uncertain significance. Last evaluated: 2022-09-06. Review status: criteria provided, single submitter. Criteria: Invitae Variant Classification Sherloc (09022015). Collection method: clinical testing. Allele origin: germline.
Comment: This sequence change replaces glycine, which is neutral and non-polar, with serine, which is neutral and polar, at codon 875 of the COL9A1 protein (p.Gly875Ser). This variant is present in population databases (rs199581593, gnomAD 0.006%). This variant has not been reported in the literature in individuals affected with COL9A1-related conditions. ClinVar contains an entry for this variant (Variation ID: 451031). Advanced modeling of protein sequence and biophysical properties (such as structural, functional, and spatial information, amino acid conservation, physicochemical variation, residue mobility, and thermodynamic stability) performed at Invitae indicates that this missense variant is expected to disrupt COL9A1 protein function. In summary, the available evidence is currently insufficient to determine the role of this variant in disease. Therefore, it has been classified as a Variant of Uncertain Significance.

Fulgent Genetics
Classification: Uncertain significance for Stickler syndrome, type 4; Epiphyseal dysplasia, multiple, 6. Last evaluated: 2022-02-02. Review status: criteria provided, single submitter. Criteria: ACMG Guidelines, 2015. Collection method: clinical testing. Allele origin: unknown.